The following is an entry in ClinVar:

ClinVar aggregate classification (germline): Likely pathogenic (1 of 4 stars; one submission).

Conditions:
Split hand-foot malformation 4. Also called: Split-Hand/Foot Malformation Type 4 (SHFM4 syndrome); Split-Hand/Foot Malformation Type 4 (SHFM4). Identifiers: Orphanet 2440, MedGen C1854442, MONDO:0011535, OMIM 605289.
ADULT syndrome. Also called: Acro-Dermo-Ungual-Lacrimal-Tooth Syndrome (ADULT Syndrome); Acro-dermato-ungual-lacrimal-tooth (adult) syndrome; ACRO-DERMATO-UNGUAL-LACRIMAL-TOOTH SYNDROME. Identifiers: Orphanet 978, MedGen C1863204, MONDO:0007072, OMIM 103285.
Orofacial cleft 8. Also called: Cleft lip with or without cleft palate, nonsyndromic, 8. Identifiers: MedGen C1851878, MONDO:0029145, OMIM 618149.
Ectrodactyly, ectodermal dysplasia, and cleft lip-palate syndrome 3. Also called: Ectrodactyly, Ectodermal Dysplasia, Clefting Syndrome Type 3 (EEC3); Ectrodactyly, Ectodermal Dysplasia, Cleft Lip/Palate Syndrome 3 (EEC3); Ectrodactyly, Ectodermal Dysplasia, Clefting Syndrome; EEC SYNDROME 3. Identifiers: Orphanet 1896, MedGen C1858562, MONDO:0011428, OMIM 604292.
Limb-mammary syndrome (LMS). Also called: Mammary hypoplasia, ectrodactyly, and other hand/foot anomalies. Identifiers: Orphanet 69085, MedGen C1863753, MONDO:0011334, OMIM 603543.
Rapp-Hodgkin syndrome (RHS). Also called: Isolated Cleft Lip/Cleft Palate (Orofacial Cleft 8); ECTODERMAL DYSPLASIA, ANHIDROTIC, WITH CLEFT LIP/PALATE; Rapp-Hodgkin ectodermal dysplasia syndrome. Identifiers: MedGen C1785148, MONDO:0007508, OMIM 129400.
Premature ovarian failure 21 (POF21). Identifiers: MedGen C5830399, MONDO:0957216, OMIM 620311.
Ankyloblepharon-ectodermal defects-cleft lip/palate syndrome. Also called: Ankyloblepharon-ectodermal defects, cleft lip/palate; Ankyloblepharon-Ectodermal Defects-Cleft Lip/Palate Syndrome (AEC Syndrome); AEC SYNDROME; Hay-Wells syndrome of ectodermal dysplasia; HAY-WELLS SYNDROME. Identifiers: Orphanet 1071, MedGen C0406709, MONDO:0007124, OMIM 106260.

Submission:

Juno Genomics, Hangzhou Juno Genomics, Inc
Classification: Likely pathogenic for Split hand-foot malformation 4; Premature ovarian failure 21; ADULT syndrome; Ectrodactyly, ectodermal dysplasia, and cleft lip-palate syndrome 3; Ankyloblepharon-ectodermal defects-cleft lip/palate syndrome; Limb-mammary syndrome; Orofacial cleft 8; Rapp-Hodgkin syndrome. Review status: criteria provided, single submitter. Criteria: ACMG Guidelines, 2015. Collection method: clinical testing. Allele origin: germline. Affected: yes.
Comment: Absent from controls (or at extremely low frequency if recessive) in Genome Aggregation Database.;De novo (both maternity and paternity confirmed) in a patient with the disease and no family history.;Multiple lines of computational evidence support a deleterious effect on the gene or gene product.;Missense variant in a gene that has a low rate of benign missense variation.

NM_003722.5(TP63):c.496C>T (p.Pro166Ser)

Gene: TP63 (tumor protein p63; plus strand). Cytogenetic location: 3q28.
Variant type: single nucleotide variant.
Coding change: c.496C>T on transcript NM_003722.5 (MANE Select); coding-DNA position 496, C replaced by T.
Protein change: p.Pro166Ser; replaces proline 166 with serine.
Molecular consequence: missense variant. On other transcripts: intron variant (2).
Genome position (GRCh38, 1-based): chr3:189,808,443, C>T. VCF-style: chr3-189808443-C-T. GRCh37 (hg19) VCF-style: chr3-189526232-C-T.
Other names: c.496C>T, p.Pro166Ser (NM_001114978.2, NM_001114979.2, NM_001329144.2 and 1 more transcripts); c.214C>T, p.Pro72Ser (NM_001114980.2, NM_001114981.2, NM_001114982.2 and 2 more transcripts); c.490C>T, p.Pro164Ser (NM_001329964.2); c.42+18601C>T (NM_001329146.2, NM_001329150.2); short protein forms P166S, P72S, P164S.
Identifiers: ClinVar variation 5020015 (VCV005020015.1), dbSNP rs267599729.